The following is an entry in ClinVar:

ClinVar aggregate classification (germline): Uncertain significance (1 of 4 stars; one submission).

Conditions:
Autosomal dominant nocturnal frontal lobe epilepsy 5. Also called: CILIARY DYSKINESIA, PRIMARY, 28, WITH SITUS INVERSUS; KCNT1-Related Epilepsy; CILIARY DYSKINESIA, PRIMARY, 28, WITHOUT SITUS INVERSUS; Epilepsy, nocturnal frontal lobe, 5. Identifiers: Orphanet 98784, MedGen C3554306, MONDO:0014002, OMIM 615005.
Developmental and epileptic encephalopathy, 14 (DEE14). Also called: Early infantile epileptic encephalopathy 14. Identifiers: Orphanet 293181, MedGen C3554195, MONDO:0013989, OMIM 614959.

Submission:

Labcorp Genetics (formerly Invitae), Labcorp
Classification: Uncertain significance for Autosomal dominant nocturnal frontal lobe epilepsy 5; Developmental and epileptic encephalopathy, 14. Last evaluated: 2022-07-25. Review status: criteria provided, single submitter. Criteria: Invitae Variant Classification Sherloc (09022015). Collection method: clinical testing. Allele origin: germline.
Comment: This variant has not been reported in the literature in individuals affected with KCNT1-related conditions. In summary, the available evidence is currently insufficient to determine the role of this variant in disease. Therefore, it has been classified as a Variant of Uncertain Significance. Algorithms developed to predict the effect of missense changes on protein structure and function are either unavailable or do not agree on the potential impact of this missense change (SIFT: "Tolerated"; PolyPhen-2: "Possibly Damaging"; Align-GVGD: "Class C0"). ClinVar contains an entry for this variant (Variation ID: 1383881). This variant is not present in population databases (gnomAD no frequency). This sequence change replaces proline, which is neutral and non-polar, with alanine, which is neutral and non-polar, at codon 963 of the KCNT1 protein (p.Pro963Ala).

NM_020822.3(KCNT1):c.2887C>G (p.Pro963Ala)

Gene: KCNT1 (potassium sodium-activated channel subfamily T member 1; plus strand). Cytogenetic location: 9q34.3.
Variant type: single nucleotide variant.
Coding change: c.2887C>G on transcript NM_020822.3 (MANE Select); coding-DNA position 2887, C replaced by G.
Protein change: p.Pro963Ala; replaces proline 963 with alanine.
Molecular consequence: missense variant.
Genome position (GRCh38, 1-based): chr9:135,784,069, C>G. VCF-style: chr9-135784069-C-G. GRCh37 (hg19) VCF-style: chr9-138675915-C-G.
Other names: c.2752C>G, p.Pro918Ala (NM_001272003.2); short protein forms P963A, P918A.
Identifiers: ClinVar variation 1383881 (VCV001383881.8), dbSNP rs2131571194, ClinGen allele CA375517439.